The following is an entry in ClinVar:

ClinVar aggregate classification (germline): Likely benign. Review status: criteria provided, single submitter (1 of 4 stars). 2 submissions from 2 submitters: Likely benign (1). 1 of the submissions does not count toward it. Last evaluated 2023-08-11.

Conditions:
MED12-Related Disorders. Also called: MED12-related condition; MED12-related disorder. Identifiers: MedGen CN381102.
FG syndrome (FGS). Identifiers: MedGen C0220769, MONDO:0002010.

Allele frequency attached by ClinVar (database versions not stated): TOPMed below 0.00001; gnomAD 0.00001.
gnomAD v4.1: 1 of 1,209,651 alleles (0.000083%); highest among the groups gnomAD compares: Non-Finnish European, 0.00011%; no homozygotes.

Submissions (2):

Labcorp Genetics (formerly Invitae), Labcorp
Classification: Likely benign for FG syndrome. Last evaluated: 2023-08-11. Review status: criteria provided, single submitter. Criteria: Invitae Variant Classification Sherloc (09022015). Collection method: clinical testing. Allele origin: germline.

PreventionGenetics, part of Exact Sciences
Classification: Likely benign for MED12-related condition. Last evaluated: 2022-09-08. Review status: no assertion criteria provided. Collection method: clinical testing. Allele origin: germline. Not counted in ClinVar's aggregate classification.
Comment: This variant is classified as likely benign based on ACMG/AMP sequence variant interpretation guidelines (Richards et al. 2015 PMID: 25741868, with internal and published modifications).

NM_005120.3(MED12):c.579C>T (p.Tyr193=)

Gene: MED12 (mediator complex subunit 12; plus strand). Cytogenetic location: Xq13.1.
Variant type: single nucleotide variant.
Coding change: c.579C>T on transcript NM_005120.3 (MANE Select); coding-DNA position 579, C replaced by T.
Protein change: p.Tyr193=; no amino-acid change (tyrosine 193 retained).
Molecular consequence: synonymous variant.
Genome position (GRCh38, 1-based): chrX:71,120,996, C>T. VCF-style: chrX-71120996-C-T. GRCh37 (hg19) VCF-style: chrX-70340846-C-T.
Other names: c.579C>T (NM_005120.2).
Identifiers: ClinVar variation 2712502 (VCV002712502.5), dbSNP rs1373255388, ClinGen allele CA516710518.